The following is an entry in ClinVar:

NM_152384.3(BBS5):c.59+2dup

Genes: BBS5 (Bardet-Biedl syndrome 5; plus strand), LOC129935068 (ATAC-STARR-seq lymphoblastoid active region 16738; plus strand). Cytogenetic location: 2q31.1.
Variant type: Duplication.
Coding change: c.59+2dup on transcript NM_152384.3 (MANE Select); the canonical splice donor site of the intron after coding-DNA position 59, one base duplicated (T; older notation c.59+2dupT).
Molecular consequence: splice donor variant.
Genome position (GRCh38, 1-based): chr2:169,479,614, T duplicated. VCF-style (leftmost placement, unchanged base first): chr2-169479613-G-GT. GRCh37 (hg19) VCF-style: chr2-170336123-G-GT.
Identifiers: ClinVar variation 4983246 (VCV004983246.1).

ClinVar aggregate classification (germline): Uncertain significance (1 of 4 stars; one submission).

Conditions:
BBS5-related disorder. Also called: BBS5-related condition.

Submission:

PreventionGenetics, part of Exact Sciences
Classification: Uncertain significance for BBS5-related condition. Last evaluated: 2025-02-28. Review status: criteria provided, single submitter. Criteria: ACMG Guidelines, 2015. Collection method: clinical testing. Allele origin: germline.
Comment: The BBS5 c.59+2dupT variant is predicted to result in an intronic duplication. This variant is predicted to alter splicing based on available splicing prediction programs (SpliceAI, Jaganathan et al. 2019. PubMed ID: 30661751). However, the use of computer prediction programs is not equivalent to functional evidence. To our knowledge, this variant has not been reported in the literature or in a large population database (gnomAD), indicating this variant is rare. At this time, the clinical significance of this variant is uncertain due to the absence of conclusive functional and genetic evidence.